The following is an entry in ClinVar:

NM_000443.4(ABCB4):c.344+2dup

Gene: ABCB4 (ATP binding cassette subfamily B member 4; minus strand). Cytogenetic location: 7q21.12.
Variant type: Duplication.
Coding change: c.344+2dup on transcript NM_000443.4 (MANE Select); the canonical splice donor site of the intron after coding-DNA position 344, one base duplicated (T; older notation c.344+2dupT).
Molecular consequence: splice donor variant.
Genome position (GRCh38, 1-based): chr7:87,454,533, A duplicated on the plus strand (T on the coding strand, the reverse complement: ABCB4 is on the minus strand). VCF-style (leftmost placement, unchanged base first): chr7-87454532-T-TA. GRCh37 (hg19) VCF-style: chr7-87083848-T-TA.
Other names: c.344+2dup (NM_018850.3, NM_018849.3).
Identifiers: ClinVar variation 4846366 (VCV004846366.1).
Genomic context (GRCh38, chr7:87,454,532, plus strand): 5'-CTCTGTAATTGGAAATTATCTTCAAATGAAACTTTAAAAAAGTAGACCATATATATGAGT[T>TA]ACCTAGTCATTTCTTCTTCCAGAATTTTGCCTGGATTTAGCAGCGACAAGGAAAAGTTCA-3'

ClinVar aggregate classification (germline): Pathogenic (1 of 4 stars; one submission).

Conditions:
Familial intrahepatic cholestasis. Identifiers: Orphanet 284385, MedGen CN296401, MONDO:0017290.
Low phospholipid associated cholelithiasis (GBD1). Also called: Gallbladder disease 1; Gallstone cholecystitis. Identifiers: Orphanet 69663, MedGen C2609268, MONDO:0010939, OMIM 600803.

Submission:

Genomenon, Inc
Classification: Pathogenic for Familial intrahepatic cholestasis; Low phospholipid associated cholelithiasis. Last evaluated: 2026-04-14. Review status: criteria provided, single submitter. Criteria: Genomenon Sequence Variant Interpretation Standards - Updated. Collection method: curation. Allele origin: germline. Affected: yes.
Comment: ABCB4 c.344+2dup is a duplication variant that affects the donor splice site of intron 5. It is predicted to affect mRNA splicing, leading to a deleterious effect on the ABCB4 protein. This variant has been observed in at least one proband with an ABCB4-related disorder (PMID:22343912). The variant was found to segregate with disease in at least one affected family (PMID:22343912). It is absent or not present at a significant frequency in gnomAD. In conclusion, we classify ABCB4 c.344+2dup as a pathogenic variant.

Literature cited by the submitters: PubMed 22343912.